The following is an entry in ClinVar:

NM_024675.4(PALB2):c.2742del (p.Phe914fs)

Gene: PALB2 (partner and localizer of BRCA2; minus strand). Cytogenetic location: 16p12.2.
Variant type: Deletion.
Coding change: c.2742del on transcript NM_024675.4 (MANE Select); coding-DNA position 2742, one base deleted (C; older notation c.2742delC).
Protein change: p.Phe914fs; shifts the reading frame from phenylalanine 914.
Molecular consequence: frameshift variant.
Genome position (GRCh38, 1-based): chr16:23,626,242, G deleted on the plus strand (C on the coding strand, the reverse complement: PALB2 is on the minus strand). VCF-style (leftmost placement, unchanged base first): chr16-23626241-CG-C. GRCh37 (hg19) VCF-style: chr16-23637562-CG-C.
Other names: short protein forms F914fs.
Identifiers: ClinVar variation 945239 (VCV000945239.8), dbSNP rs1966842281, ClinGen allele CA1139664580.

ClinVar aggregate classification (germline): Pathogenic (1 of 4 stars; one submission).

Conditions:
Familial cancer of breast. Also called: hereditary breast carcinoma; BREAST CANCER, FAMILIAL; Hereditary breast cancer. Identifiers: Orphanet 227535, MedGen C0346153, MONDO:0016419, OMIM 114480. Disease mechanism: loss of function.

Submission:

Labcorp Genetics (formerly Invitae), Labcorp
Classification: Pathogenic for Familial cancer of breast. Last evaluated: 2019-05-08. Review status: criteria provided, single submitter. Criteria: Invitae Variant Classification Sherloc (09022015). Collection method: clinical testing. Allele origin: germline.
Comment: For these reasons, this variant has been classified as Pathogenic. Loss-of-function variants in PALB2 are known to be pathogenic (PMID: 17200668, 24136930, 25099575). This variant has not been reported in the literature in individuals with PALB2-related conditions. This variant is not present in population databases (ExAC no frequency). This sequence change creates a premature translational stop signal (p.Phe914Leufs*9) in the PALB2 gene. It is expected to result in an absent or disrupted protein product.

Literature cited by the submitters: PubMed 17200668; PubMed 24136930; PubMed 25099575.